The following is an entry in ClinVar:

NM_000023.4(SGCA):c.271G>A (p.Gly91Ser)

Gene: SGCA (sarcoglycan alpha; plus strand). Cytogenetic location: 17q21.33.
Variant type: single nucleotide variant.
Coding change: c.271G>A on transcript NM_000023.4 (MANE Select); coding-DNA position 271, G replaced by A.
Protein change: p.Gly91Ser; replaces glycine 91 with serine.
Molecular consequence: missense variant. On other transcripts: non-coding transcript variant (1).
Genome position (GRCh38, 1-based): chr17:50,167,695, G>A. VCF-style: chr17-50167695-G-A. GRCh37 (hg19) VCF-style: chr17-48245056-G-A.
Other names: c.271G>A, p.Gly91Ser (NM_001135697.3); c.271G>A (NM_000023.3); short protein forms G91S.
Identifiers: ClinVar variation 2198463 (VCV002198463.9), dbSNP rs890921874, ClinGen allele CA400177785.

ClinVar aggregate classification (germline): Pathogenic/Likely pathogenic. Review status: criteria provided, multiple submitters, no conflicts (2 of 4 stars). 5 submissions from 5 submitters: Pathogenic (2); Likely pathogenic (3). Last evaluated 2025-06-23.

Conditions:
Autosomal recessive limb-girdle muscular dystrophy. Identifiers: Orphanet 102015, MedGen C2931907, MONDO:0015152.
Autosomal recessive limb-girdle muscular dystrophy type 2D (LGMDR3). Also called: ADHALINOPATHY, PRIMARY; DUCHENNE-LIKE AUTOSOMAL RECESSIVE MUSCULAR DYSTROPHY, TYPE 2; MUSCULAR DYSTROPHY, LIMB-GIRDLE, AUTOSOMAL RECESSIVE 3. Identifiers: Orphanet 62, MedGen C2936332, MONDO:0011968, OMIM 608099. Disease mechanism: Affects gamma-sarcoglycan and also disrupts the integrity of the entire sarcoglycan complex..

gnomAD v4.1: 7 of 1,613,392 alleles (0.00043%); highest among the groups gnomAD compares: African/African-American, 0.0027%; no homozygotes.

Submissions (5):

Women's Health and Genetics/Laboratory Corporation of America, LabCorp
Classification: Pathogenic for Autosomal recessive limb-girdle muscular dystrophy. Last evaluated: 2025-06-23. Review status: criteria provided, single submitter. Criteria: LabCorp Variant Classification Summary - May 2015. Collection method: clinical testing. Allele origin: germline.
Comment: Variant summary: SGCA c.271G>A (p.Gly91Ser) results in a non-conservative amino acid change located in the Dystroglycan-type cadherin-like domain (IPR006644) of the encoded protein sequence. Algorithms developed to predict the effect of missense changes on protein structure and function all suggest that this variant is likely to be disruptive. The variant allele was found at a frequency of 8e-06 in 248896 control chromosomes. c.271G>A has been observed in the homozygous and compound heterozygous state in multiple individuals affected with Limb-Girdle Muscular Dystrophy, Autosomal Recessive and segregated with disease in at least one family (Magri_2015, Bulakh_2024). These data indicate that the variant is very likely to be associated with disease. The following publications have been ascertained in the context of this evaluation (PMID: 38876406, 17994539, 26404900). ClinVar contains an entry for this variant (Variation ID: 2198463). Based on the evidence outlined above, the variant was classified as pathogenic.

Myriad Genetics, Inc.
Classification: Likely pathogenic for Autosomal recessive limb-girdle muscular dystrophy type 2D. Last evaluated: 2025-04-11. Review status: criteria provided, single submitter. Criteria: Myriad Autosomal Dominant, Autosomal Recessive and X-Linked Classification Criteria (2023). Collection method: clinical testing. Allele origin: unknown.
Comment: NM_000023.2(SGCA):c.271G>A(G91S) is a missense variant classified as likely pathogenic in the context of alpha-sarcoglycanopathy. G91S has been observed in cases with relevant disease (PMID: 28889091, 36213152, 31268554). Relevant functional assessments of this variant are not available in the literature. G91S has been observed in referenced population frequency databases. In summary, NM_000023.2(SGCA):c.271G>A(G91S) is a missense variant that has been observed more frequently in cases with the relevant disease than in healthy populations. Please note: this variant was assessed in the context of healthy population screening.

Natera, Inc.
Classification: Pathogenic for Limb-girdle muscular dystrophy type 2D. Last evaluated: 2024-10-07. Review status: criteria provided, single submitter. Criteria: Natera Variant Classification Schema (03/2026). Collection method: clinical testing. Allele origin: germline.
Comment: The c.271G>A variant in SGCA is a missense variant predicted to cause substitution of glycine to serine at amino acid 91. This variant is rare in the general population with a frequency below the threshold expected for the associated phenotype(s). This variant has been observed in one or more individuals affected with the associated recessive disease, as either homozygous or compound heterozygous with a second variant (PMID: 38876406, 17994539). Additionally, this variant has been observed to segregate in affected family members (PMID: 17994539). Computational prediction algorithms indicate this variant is likely to affect gene or protein function. Given the available evidence, this variant is classified as Pathogenic.

Fulgent Genetics
Classification: Likely pathogenic for Autosomal recessive limb-girdle muscular dystrophy type 2D. Last evaluated: 2024-06-15. Review status: criteria provided, single submitter. Criteria: ACMG Guidelines, 2015. Collection method: clinical testing. Allele origin: germline.

Labcorp Genetics (formerly Invitae), Labcorp
Classification: Likely pathogenic for Autosomal recessive limb-girdle muscular dystrophy type 2D. Last evaluated: 2024-02-13. Review status: criteria provided, single submitter. Criteria: Invitae Variant Classification Sherloc (09022015). Collection method: clinical testing. Allele origin: germline.
Comment: This sequence change replaces glycine, which is neutral and non-polar, with serine, which is neutral and polar, at codon 91 of the SGCA protein (p.Gly91Ser). This variant is present in population databases (no rsID available, gnomAD 0.003%). This missense change has been observed in individual(s) with limb-girdle muscular dystrophy (PMID: 17994539). It has also been observed to segregate with disease in related individuals. ClinVar contains an entry for this variant (Variation ID: 2198463). Advanced modeling of protein sequence and biophysical properties (such as structural, functional, and spatial information, amino acid conservation, physicochemical variation, residue mobility, and thermodynamic stability) performed at Invitae indicates that this missense variant is expected to disrupt SGCA protein function with a positive predictive value of 95%. In summary, the currently available evidence indicates that the variant is pathogenic, but additional data are needed to prove that conclusively. Therefore, this variant has been classified as Likely Pathogenic.

Literature cited by the submitters: PubMed 17994539 (cited by 3 submitters); PubMed 26404900 (cited by Women's Health and Genetics/Laboratory Corporation of America, LabCorp); PubMed 38876406 (cited by Women's Health and Genetics/Laboratory Corporation of America, LabCorp and Natera, Inc.); PubMed 28889091 (cited by Myriad Genetics, Inc.); PubMed 31268554 (cited by Myriad Genetics, Inc.); PubMed 36213152 (cited by Myriad Genetics, Inc.).